The following is an entry in ClinVar:

ClinVar aggregate classification (germline): Uncertain significance. Review status: criteria provided, multiple submitters, no conflicts (2 of 4 stars). 2 submissions from 2 submitters: Uncertain significance (2). Last evaluated 2025-11-24.

Conditions:
Inborn genetic diseases. Identifiers: MedGen C0950123, MeSH D030342.

Allele frequency attached by ClinVar (database versions not stated): gnomAD exomes 0.00001; TOPMed 0.00002; ExAC 0.00003; gnomAD 0.00001.
gnomAD v4.1: 23 of 1,613,952 alleles (0.0014%); highest among the groups gnomAD compares: East Asian, 0.011%; no homozygotes.

Submissions (2):

Ambry Genetics
Classification: Uncertain significance for Inborn genetic diseases. Last evaluated: 2025-11-24. Review status: criteria provided, single submitter. Criteria: Ambry Variant Classification Scheme 2023. Collection method: clinical testing. Allele origin: germline.

Labcorp Genetics (formerly Invitae), Labcorp
Classification: Uncertain significance. Last evaluated: 2022-08-01. Review status: criteria provided, single submitter. Criteria: Invitae Variant Classification Sherloc (09022015). Collection method: clinical testing. Allele origin: germline.
Comment: This sequence change replaces proline, which is neutral and non-polar, with leucine, which is neutral and non-polar, at codon 737 of the SKIV2L protein (p.Pro737Leu). This variant is present in population databases (rs761159898, gnomAD 0.006%). This variant has not been reported in the literature in individuals affected with SKIV2L-related conditions. ClinVar contains an entry for this variant (Variation ID: 1396007). Algorithms developed to predict the effect of missense changes on protein structure and function are either unavailable or do not agree on the potential impact of this missense change (SIFT: "Deleterious"; PolyPhen-2: "Possibly Damaging"; Align-GVGD: "Class C0"). In summary, the available evidence is currently insufficient to determine the role of this variant in disease. Therefore, it has been classified as a Variant of Uncertain Significance.

NM_006929.5(SKIC2):c.2210C>T (p.Pro737Leu)

Gene: SKIC2 (SKI2 subunit of superkiller complex; plus strand). Cytogenetic location: 6p21.33.
Variant type: single nucleotide variant.
Coding change: c.2210C>T on transcript NM_006929.5 (MANE Select); coding-DNA position 2210, C replaced by T.
Protein change: p.Pro737Leu; replaces proline 737 with leucine.
Molecular consequence: missense variant.
Genome position (GRCh38, 1-based): chr6:31,966,716, C>T. VCF-style: chr6-31966716-C-T. GRCh37 (hg19) VCF-style: chr6-31934493-C-T.
Other names: c.2210C>T (NM_006929.4); short protein forms P737L.
Identifiers: ClinVar variation 1396007 (VCV001396007.4), dbSNP rs761159898, ClinGen allele CA3729717.
Genomic context (GRCh38, chr6:31,966,716, plus strand): 5'-GGGGTTCAGTAGGTCCCACCCTGATCTCAGTGACTTCTGTGACCTGACTCCAGGGGAAGC[C>T]GTCCCAGCTGCAGTCCCAGTTCCGCCTCACGTACACTATGATCCTCAACTTGCTGCGAGT-3'
Protein context (NP_008860.4, residues 727-747): ADLHRMMMGK[Pro737Leu]SQLQSQFRLT